The following is an entry in ClinVar:

NM_005518.4(HMGCS2):c.1017-302_1017-299del

Gene: HMGCS2 (3-hydroxy-3-methylglutaryl-CoA synthase 2; minus strand). Cytogenetic location: 1p12.
Variant type: Deletion.
Coding change: c.1017-302_1017-299del on transcript NM_005518.4 (MANE Select); 302 bases into the intron before coding-DNA position 1017 through 299 bases into the intron before coding-DNA position 1017, 4 bases deleted (TACA; older notation c.1017-302_1017-299delTACA).
Molecular consequence: intron variant.
Genome position (GRCh38, 1-based): chr1:119,755,896-119,755,899, TGTA deleted on the plus strand (TACA on the coding strand, the reverse complement: HMGCS2 is on the minus strand); deleting any 4 consecutive bases within chr1:119,755,896-119,755,900 gives the same sequence; the c. name uses the placement nearest the transcript's 3' end. VCF-style (leftmost placement, unchanged base first): chr1-119755895-GTGTA-G. GRCh37 (hg19) VCF-style: chr1-120298518-GTGTA-G.
Other names: c.891-302_891-299del (NM_001166107.1).
Identifiers: ClinVar variation 672115 (VCV000672115.1), dbSNP rs137953643, ClinGen allele CA30271231.

ClinVar aggregate classification (germline): Benign (1 of 4 stars; one submission).

Submission:

GeneDx
Classification: Benign. Last evaluated: 2018-06-19. Review status: criteria provided, single submitter. Criteria: GeneDx Variant Classification (06012015). Collection method: clinical testing. Allele origin: germline. Affected: yes.
Comment: This variant is considered likely benign or benign based on one or more of the following criteria: it is a conservative change, it occurs at a poorly conserved position in the protein, it is predicted to be benign by multiple in silico algorithms, and/or has population frequency not consistent with disease.